The following is an entry in ClinVar:

ClinVar aggregate classification (germline): Pathogenic/Likely pathogenic. Review status: criteria provided, multiple submitters, no conflicts (2 of 4 stars). 2 submissions from 2 submitters: Pathogenic (1); Likely pathogenic (1). Last evaluated 2024-03-01.

Conditions:
NPHP3-related Meckel-like syndrome. Also called: Meckel syndrome type 7; GOLDSTON SYNDROME. Identifiers: Orphanet 3032, MedGen C2673885, MONDO:0009966, OMIM 267010.
Renal-hepatic-pancreatic dysplasia 1 (RHPD1). Identifiers: MedGen C3715199, MONDO:0008833, OMIM 208540.
Nephronophthisis 3 (NPHP3). Also called: Adolescent nephronophthisis. Identifiers: Orphanet 655, MedGen C1858392, MONDO:0011456, OMIM 604387.
NPHP3-related disorder. Also called: NPHP3-related disorders; NPHP3-related condition. Identifiers: MedGen CN379163.

Allele frequency attached by ClinVar (database versions not stated): TOPMed below 0.00001; gnomAD 0.00001; gnomAD exomes 0.00001; ExAC 0.00004.

Submissions (2):

Fulgent Genetics
Classification: Likely pathogenic for Renal-hepatic-pancreatic dysplasia 1; NPHP3-related Meckel-like syndrome; Nephronophthisis 3. Last evaluated: 2024-03-01. Review status: criteria provided, single submitter. Criteria: ACMG Guidelines, 2015. Collection method: clinical testing. Allele origin: germline.

PreventionGenetics, part of Exact Sciences
Classification: Pathogenic for NPHP3-related condition. Last evaluated: 2023-06-21. Review status: criteria provided, single submitter. Criteria: ACMG Guidelines, 2015. Collection method: clinical testing. Allele origin: germline.
Comment: The NPHP3 c.3812+2dupT variant is predicted to result in an intronic duplication. which is predicted to abolish the canonical splice donor site (Alamut Visual Plus v1.6.1). This variant was reported in the compound heterozygous state in an individual with nephronophthisis 3 (Reported as c.3812+3insT in Tory et al 2009. PubMed ID: 19177160). This variant is reported in 0.0053% of alleles in individuals of European (Non-Finnish) descent in gnomAD. This variant is interpreted as pathogenic.

NM_153240.5(NPHP3):c.3812+2dup

Genes: NPHP3-ACAD11 (NPHP3-ACAD11 readthrough (NMD candidate); minus strand), NPHP3 (nephrocystin 3; minus strand). Cytogenetic location: 3q22.1.
Variant type: Duplication.
Coding change: c.3812+2dup on transcript NM_153240.5 (MANE Select); the canonical splice donor site of the intron after coding-DNA position 3812, one base duplicated (T; older notation c.3812+2dupT).
Molecular consequence: splice donor variant.
Genome position (GRCh38, 1-based): chr3:132,682,701, A duplicated on the plus strand (T on the coding strand, the reverse complement: NPHP3 is on the minus strand). VCF-style (leftmost placement, unchanged base first): chr3-132682700-T-TA. GRCh37 (hg19) VCF-style: chr3-132401544-T-TA.
Identifiers: ClinVar variation 2634638 (VCV002634638.2), dbSNP rs774573183, ClinGen allele CA2621643.
Genomic context (GRCh38, chr3:132,682,700, plus strand): 5'-ATTCTAAGACAAAGCTACTTCGAATAAAAGAGGCTGTATAAGGAAAGTGAAAAAAATTCT[T>TA]ACCTAAGCACAGCTAAATTTTTCAGTGTTTCTCCAACTCGAGGATGCATCCGACCCAGGC-3'